The following is an entry in ClinVar:

ClinVar aggregate classification (germline): Uncertain significance (1 of 4 stars; one submission).

Conditions:
Marfan syndrome (MFS). Also called: MARFAN SYNDROME, TYPE I; Marfan syndrome type 1; Marfan's syndrome; Marfan syndrome, classic; FBN1-Related Marfan Syndrome. Identifiers: Orphanet 284963, Orphanet 558, MedGen C0024796, MONDO:0007947, OMIM 154700.
Familial thoracic aortic aneurysm and aortic dissection (TAAD). Also called: Thoracic aortic aneurysms and dissections. Identifiers: Orphanet 91387, MedGen C4707243, MONDO:0019625.

Submission:

Labcorp Genetics (formerly Invitae), Labcorp
Classification: Uncertain significance for Marfan syndrome; Familial thoracic aortic aneurysm and aortic dissection. Last evaluated: 2023-05-09. Review status: criteria provided, single submitter. Criteria: Invitae Variant Classification Sherloc (09022015). Collection method: clinical testing. Allele origin: germline.
Comment: In summary, the available evidence is currently insufficient to determine the role of this variant in disease. Therefore, it has been classified as a Variant of Uncertain Significance. Advanced modeling of protein sequence and biophysical properties (such as structural, functional, and spatial information, amino acid conservation, physicochemical variation, residue mobility, and thermodynamic stability) performed at Invitae indicates that this missense variant is not expected to disrupt FBN1 protein function. This sequence change replaces threonine, which is neutral and polar, with serine, which is neutral and polar, at codon 1582 of the FBN1 protein (p.Thr1582Ser). This variant is not present in population databases (gnomAD no frequency). This missense change has been observed in individual(s) with Marfan syndrome (Invitae).

NM_000138.5(FBN1):c.4744A>T (p.Thr1582Ser)

Gene: FBN1 (fibrillin 1; minus strand). Cytogenetic location: 15q21.1.
Variant type: single nucleotide variant.
Coding change: c.4744A>T on transcript NM_000138.5 (MANE Select); coding-DNA position 4744, A replaced by T.
Protein change: p.Thr1582Ser; replaces threonine 1582 with serine.
Molecular consequence: missense variant.
Genome position (GRCh38, 1-based): chr15:48,467,941, T>A on the plus strand (A>T on the coding strand, the complement: FBN1 is on the minus strand). VCF-style: chr15-48467941-T-A. GRCh37 (hg19) VCF-style: chr15-48760138-T-A.
Other names: c.4744A>T, p.Thr1582Ser (NM_001406716.1); short protein forms T1582S.
Identifiers: ClinVar variation 2942147 (VCV002942147.3), dbSNP rs761794133, ClinGen allele CA269551615.